The following is an entry in ClinVar:

ClinVar aggregate classification (germline): Likely pathogenic (0 of 4 stars; one submission).

Conditions:
Idiopathic generalized epilepsy. Also called: EIG; Generalised epilepsy. Identifiers: MedGen C0270850, MONDO:0005579, OMIM 600669.

Submission:

Cell and Molecular Biology Laboratory, University of the Punjab Lahore
Classification: Likely pathogenic for Idiopathic generalized epilepsy. Last evaluated: 2021-04-06. Review status: no assertion criteria provided. Collection method: case-control. Allele origin: germline. Inheritance: Autosomal dominant inheritance. Affected: yes. Observed: 89 variant alleles, 66 heterozygotes, 23 homozygotes.
Comment: In silico analysis by different bioinformatics tools declared this variant as pathogenic with maximum pathogenicity score.

NM_001348946.2(ABCB1):c.2678C>A (p.Ser893Tyr)

Gene: ABCB1 (ATP binding cassette subfamily B member 1; minus strand). Cytogenetic location: 7q21.12.
Variant type: single nucleotide variant.
Coding change: c.2678C>A on transcript NM_001348946.2 (MANE Select); coding-DNA position 2678, C replaced by A.
Protein change: p.Ser893Tyr; replaces serine 893 with tyrosine.
Molecular consequence: missense variant.
Genome position (GRCh38, 1-based): chr7:87,531,301, G>T on the plus strand (C>A on the coding strand, the complement: ABCB1 is on the minus strand). VCF-style: chr7-87531301-G-T. GRCh37 (hg19) VCF-style: chr7-87160617-G-T.
Other names: c.2678C>A, p.Ser893Tyr (NM_000927.5, NM_001348944.2); c.2888C>A, p.Ser963Tyr (NM_001348945.2); short protein forms S893Y, S963Y.
Identifiers: ClinVar variation 1164001 (VCV001164001.2), dbSNP rs2117129739, ClinGen allele CA368054231.